The following is an entry in ClinVar:

NM_001276345.2(TNNT2):c.339G>T (p.Gln113His)

Gene: TNNT2 (troponin T2, cardiac type; minus strand). Cytogenetic location: 1q32.1.
Variant type: single nucleotide variant.
Coding change: c.339G>T on transcript NM_001276345.2 (MANE Select); coding-DNA position 339, G replaced by T.
Protein change: p.Gln113His; replaces glutamine 113 with histidine.
Molecular consequence: missense variant. On other transcripts: intron variant (1).
Genome position (GRCh38, 1-based): chr1:201,365,263, C>A on the plus strand (G>T on the coding strand, the complement: TNNT2 is on the minus strand). VCF-style: chr1-201365263-C-A. GRCh37 (hg19) VCF-style: chr1-201334391-C-A.
Other names: c.339G>T, p.Gln113His (NM_000364.4, NM_001406723.1); c.309G>T, p.Gln103His (NM_001001430.3, NM_001001431.3, NM_001276347.2 and 3 more transcripts); c.294G>T, p.Gln98His (NM_001001432.3, NM_001406728.1); c.306G>T, p.Gln102His (NM_001406725.1); c.291+347G>T (NM_001276346.2); short protein forms Q102H, Q113H, Q98H, Q103H.
Identifiers: ClinVar variation 4824017 (VCV004824017.1).

ClinVar aggregate classification (germline): Uncertain significance (1 of 4 stars; one submission).

Conditions:
Cardiovascular phenotype. Identifiers: MedGen CN230736.

Submission:

Ambry Genetics
Classification: Uncertain significance for Cardiovascular phenotype. Last evaluated: 2026-02-20. Review status: criteria provided, single submitter. Criteria: Ambry Variant Classification Scheme 2023. Collection method: clinical testing. Allele origin: germline.
Comment: The p.Q103H variant (also known as c.309G>T), located in coding exon 8 of the TNNT2 gene, results from a G to T substitution at nucleotide position 309. The glutamine at codon 103 is replaced by histidine, an amino acid with highly similar properties. This amino acid position is conserved. In addition, the in silico prediction for this alteration is inconclusive. Based on the available evidence, the clinical significance of this variant remains unclear.